The following is an entry in ClinVar:

NM_001351132.2(PEX5):c.-16A>C

Gene: PEX5 (peroxisomal biogenesis factor 5; plus strand). Cytogenetic location: 12p13.31.
Variant type: single nucleotide variant.
Coding change: c.-16A>C on transcript NM_001351132.2 (MANE Select); 16 bases upstream of the start codon, A replaced by C.
Molecular consequence: 5 prime UTR variant. On other transcripts: splice acceptor variant (1).
Genome position (GRCh38, 1-based): chr12:7,190,362, A>C. VCF-style: chr12-7190362-A-C. GRCh37 (hg19) VCF-style: chr12-7342958-A-C.
Other names: c.-16A>C (NM_000319.5, NM_001131023.2, NM_001131024.2 and 21 more transcripts); c.-14-2A>C (NM_001374645.1).
Identifiers: ClinVar variation 4993430 (VCV004993430.1).

ClinVar aggregate classification (germline): Uncertain significance (1 of 4 stars; one submission).

Conditions:
PEX5-related disorder. Also called: PEX5-Related Disorders; PEX5-related condition.

gnomAD v4.1: 3 of 1,614,140 alleles (0.00019%); highest among the groups gnomAD compares: Non-Finnish European, 0.00025%; no homozygotes.

Submission:

PreventionGenetics, part of Exact Sciences
Classification: Uncertain significance for PEX5-related condition. Last evaluated: 2026-02-26. Review status: criteria provided, single submitter. Criteria: ACMG Guidelines, 2015. Collection method: clinical testing. Allele origin: germline.
Comment: The PEX5 c.48A>C variant is predicted to result in the amino acid substitution p.Arg16Ser. To our knowledge, this variant has not been reported in the literature or in a large population database (gnomAD), indicating this variant is rare. At this time, the clinical significance of this variant is uncertain due to the absence of conclusive functional and genetic evidence.